The following is an entry in ClinVar:

ClinVar aggregate classification (germline): Uncertain significance (1 of 4 stars; one submission).

Allele frequency attached by ClinVar (database versions not stated): gnomAD exomes below 0.00001; TOPMed 0.00001.
gnomAD v4.1: 4 of 1,612,888 alleles (0.00025%); highest among the groups gnomAD compares: Admixed American, 0.0033%; no homozygotes.

Submission:

Labcorp Genetics (formerly Invitae), Labcorp
Classification: Uncertain significance. Last evaluated: 2023-05-26. Review status: criteria provided, single submitter. Criteria: Invitae Variant Classification Sherloc (09022015). Collection method: clinical testing. Allele origin: germline.
Comment: This variant has not been reported in the literature in individuals affected with HMCN1-related conditions. This variant is present in population databases (no rsID available, gnomAD 0.003%). This sequence change replaces valine, which is neutral and non-polar, with leucine, which is neutral and non-polar, at codon 1279 of the HMCN1 protein (p.Val1279Leu). ClinVar contains an entry for this variant (Variation ID: 1905250). In summary, the available evidence is currently insufficient to determine the role of this variant in disease. Therefore, it has been classified as a Variant of Uncertain Significance. Algorithms developed to predict the effect of missense changes on protein structure and function output the following: SIFT: "Not Available"; PolyPhen-2: "Probably Damaging"; Align-GVGD: "Not Available". The leucine amino acid residue is found in multiple mammalian species, which suggests that this missense change does not adversely affect protein function.

NM_031935.3(HMCN1):c.3835G>C (p.Val1279Leu)

Gene: HMCN1 (hemicentin 1; plus strand). Cytogenetic location: 1q31.1.
Variant type: single nucleotide variant.
Coding change: c.3835G>C on transcript NM_031935.3 (MANE Select); coding-DNA position 3835, G replaced by C.
Protein change: p.Val1279Leu; replaces valine 1279 with leucine.
Molecular consequence: missense variant.
Genome position (GRCh38, 1-based): chr1:185,997,485, G>C. VCF-style: chr1-185997485-G-C. GRCh37 (hg19) VCF-style: chr1-185966617-G-C.
Other names: short protein forms V1279L.
Identifiers: ClinVar variation 1905250 (VCV001905250.5), dbSNP rs1269838821, ClinGen allele CA343873218.